The following is an entry in ClinVar:

ClinVar aggregate classification (germline): Uncertain significance (1 of 4 stars; one submission).

Conditions:
Kleefstra syndrome 1 (KLEFS1). Identifiers: Orphanet 261494, MedGen C0795833, MONDO:0027407, OMIM 610253.

Submission:

Labcorp Genetics (formerly Invitae), Labcorp
Classification: Uncertain significance for Kleefstra syndrome 1. Last evaluated: 2023-06-27. Review status: criteria provided, single submitter. Criteria: Invitae Variant Classification Sherloc (09022015). Collection method: clinical testing. Allele origin: unknown.
Comment: This variant has not been reported in the literature in individuals affected with EHMT1-related conditions. This variant is a gross deletion of the genomic region encompassing exon(s) 5-9 of the EHMT1 gene. This variant would be expected to be in-frame, preserving the integrity of the reading frame. Experimental studies and prediction algorithms are not available or were not evaluated, and the functional significance of this variant is currently unknown. In summary, the available evidence is currently insufficient to determine the role of this variant in disease. Therefore, it has been classified as a Variant of Uncertain Significance.

NC_000009.11:g.(?_140637803)_(140652483_?)del

Gene: EHMT1 (euchromatic histone lysine methyltransferase 1; plus strand). Cytogenetic location: 9q34.3.
Variant type: Deletion.
Identifiers: ClinVar variation 3245172 (VCV003245172.1).